The following is an entry in ClinVar:

NM_004333.6(BRAF):c.1081G>A (p.Asp361Asn)

Genes: BRAF (B-Raf proto-oncogene, serine/threonine kinase; minus strand), LOC126860202 (BRD4-independent group 4 enhancer GRCh37_chr7:140493623-140494822; plus strand). Cytogenetic location: 7q34.
Variant type: single nucleotide variant.
Coding change: c.1081G>A on transcript NM_004333.6 (MANE Select); coding-DNA position 1081, G replaced by A.
Protein change: p.Asp361Asn; replaces aspartic acid 361 with asparagine.
Molecular consequence: missense variant.
Genome position (GRCh38, 1-based): chr7:140,794,367, C>T on the plus strand (G>A on the coding strand, the complement: BRAF is on the minus strand). VCF-style: chr7-140794367-C-T. GRCh37 (hg19) VCF-style: chr7-140494167-C-T.
Other names: c.925G>A, p.Asp309Asn (NM_001378473.1, NM_001378472.1); c.1081G>A, p.Asp361Asn (NM_001378474.1, NM_001354609.2, NM_001374244.1 and 4 more transcripts); c.817G>A, p.Asp273Asn (NM_001378475.1); c.1090G>A, p.Asp364Asn (NM_001378467.1); c.979G>A, p.Asp327Asn (NM_001378470.1); short protein forms D273N, D309N, D327N, D361N, D364N.
Identifiers: ClinVar variation 2662761 (VCV002662761.2), dbSNP rs2536268173, ClinGen allele CA369589805.

ClinVar aggregate classification (germline): Uncertain significance (1 of 4 stars; one submission).

Submission:

GeneDx
Classification: Uncertain significance. Last evaluated: 2025-07-06. Review status: criteria provided, single submitter. Criteria: GeneDx Variant Classification Process June 2021. Collection method: clinical testing. Allele origin: germline.
Comment: Not observed at significant frequency in large population cohorts (gnomAD); Missense variants in this gene are a common cause of disease and they are underrepresented in the general population; In silico analysis suggests that this missense variant does not alter protein structure/function; Has not been previously published as pathogenic or benign to our knowledge